The following is an entry in ClinVar:

NM_001012426.2(FOXP4):c.1581C>T (p.Arg527=)

Gene: FOXP4 (forkhead box P4; plus strand). Cytogenetic location: 6p21.1.
Variant type: single nucleotide variant.
Coding change: c.1581C>T on transcript NM_001012426.2 (MANE Select); coding-DNA position 1581, C replaced by T.
Protein change: p.Arg527=; no amino-acid change (arginine 527 retained).
Molecular consequence: synonymous variant.
Genome position (GRCh38, 1-based): chr6:41,594,914, C>T. VCF-style: chr6-41594914-C-T. GRCh37 (hg19) VCF-style: chr6-41562652-C-T.
Other names: c.1575C>T, p.Arg525= (NM_001012427.2); c.1545C>T, p.Arg515= (NM_001405824.1); c.1485C>T, p.Arg495= (NM_001405825.1); c.1449C>T, p.Arg483= (NM_001405826.1); c.1542C>T, p.Arg514= (NM_138457.3).
Identifiers: ClinVar variation 5038702 (VCV005038702.1).

ClinVar aggregate classification (germline): Likely benign (1 of 4 stars; one submission).

gnomAD v4.1: 129 of 1,614,186 alleles (0.008%); highest among the groups gnomAD compares: South Asian, 0.087%; 1 homozygote.

Submission:

CeGaT Center for Human Genetics Tuebingen
Classification: Likely benign. Last evaluated: 2026-07-01. Review status: criteria provided, single submitter. Criteria: CeGaT Center For Human Genetics Tuebingen Variant Classification Criteria Version 2. Collection method: clinical testing. Allele origin: germline. Affected: yes. Observed: 1 variant allele.
Comment: FOXP4: BP4, BP7